The following is an entry in ClinVar:

NM_000152.5(GAA):c.1320G>A (p.Met440Ile)

Gene: GAA (alpha glucosidase; plus strand). Cytogenetic location: 17q25.3.
Variant type: single nucleotide variant.
Coding change: c.1320G>A on transcript NM_000152.5 (MANE Select); coding-DNA position 1320, G replaced by A.
Protein change: p.Met440Ile; replaces methionine 440 with isoleucine.
Molecular consequence: missense variant.
Genome position (GRCh38, 1-based): chr17:80,108,822, G>A. VCF-style: chr17-80108822-G-A. GRCh37 (hg19) VCF-style: chr17-78082621-G-A.
Other names: c.1320G>A, p.Met440Ile (NM_001079803.3, NM_001079804.3, NM_001406741.1 and 1 more transcripts); short protein forms M440I.
Identifiers: ClinVar variation 2062189 (VCV002062189.4), dbSNP rs550837627, ClinGen allele CA401365421.

ClinVar aggregate classification (germline): Uncertain significance (1 of 4 stars; one submission).

Conditions:
Glycogen storage disease, type II (IOPD). Also called: CARDIOMEGALIA GLYCOGENICA DIFFUSA; GLYCOGENOSIS, GENERALIZED, CARDIAC FORM; GSD II; Glucosidase acid-1,4-alpha deficiency; Pompe Disease; Glycogen storage disease type 2. Identifiers: Orphanet 365, MedGen C0017921, MONDO:0009290, OMIM 232300.

Submission:

Labcorp Genetics (formerly Invitae), Labcorp
Classification: Uncertain significance for Glycogen storage disease, type II. Last evaluated: 2022-07-05. Review status: criteria provided, single submitter. Criteria: Invitae Variant Classification Sherloc (09022015). Collection method: clinical testing. Allele origin: germline.
Comment: In summary, the available evidence is currently insufficient to determine the role of this variant in disease. Therefore, it has been classified as a Variant of Uncertain Significance. Advanced modeling of protein sequence and biophysical properties (such as structural, functional, and spatial information, amino acid conservation, physicochemical variation, residue mobility, and thermodynamic stability) performed at Invitae indicates that this missense variant is not expected to disrupt GAA protein function. This variant has not been reported in the literature in individuals affected with GAA-related conditions. This variant is not present in population databases (gnomAD no frequency). This sequence change replaces methionine, which is neutral and non-polar, with isoleucine, which is neutral and non-polar, at codon 440 of the GAA protein (p.Met440Ile).